The following is an entry in ClinVar:

ClinVar aggregate classification (germline): Pathogenic/Likely pathogenic. Review status: criteria provided, multiple submitters, no conflicts (2 of 4 stars). 6 submissions from 6 submitters: Pathogenic (1); Likely pathogenic (5). Last evaluated 2025-07-31.

Conditions:
Neurofibromatosis type 1 due to NF1 mutation or intragenic deletion. Identifiers: Orphanet 363700, MedGen C5779636, MONDO:0018208.
Cardiovascular phenotype. Identifiers: MedGen CN230736.
Hereditary cancer-predisposing syndrome. Also called: Tumor predisposition; Neoplastic Syndromes, Hereditary; Hereditary Cancer Syndrome; Hereditary neoplastic syndrome. Identifiers: Orphanet 140162, MedGen C0027672, MeSH D009386, MONDO:0015356.
Neurofibromatosis, type 1 (NF1). Also called: NEUROFIBROMATOSIS, TYPE I, SOMATIC; Peripheral type neurofibromatosis; Neurofibromatosis, type I; VON RECKLINGHAUSEN DISEASE. Identifiers: Orphanet 636, MedGen C0027831, MONDO:0018975, OMIM 162200. Disease mechanism: loss of function.

Allele frequency attached by ClinVar (database versions not stated): TOPMed below 0.00001.

Submissions (6):

GeneDx
Classification: Likely pathogenic. Last evaluated: 2025-07-31. Review status: criteria provided, single submitter. Criteria: GeneDx Variant Classification Process June 2021. Collection method: clinical testing. Allele origin: germline. Affected: yes.
Comment: Alters the last nucleotide of the exon and is predicted to destroy the splice donor site and result in aberrant splicing, although in the absence of functional evidence the actual effect of this sequence change is unknown; Identified in a patient with clinical features of neurofibromatosis type 1 in published literature (PMID: 25074460); Not observed at significant frequency in large population cohorts (gnomAD); This variant is associated with the following publications: (PMID: 25486365, 22807134, 25074460, 29952103, 29673180, 27838393, 17311297)

CeGaT Center for Human Genetics Tuebingen
Classification: Likely pathogenic. Last evaluated: 2025-06-01. Review status: criteria provided, single submitter. Criteria: CeGaT Center For Human Genetics Tuebingen Variant Classification Criteria Version 2. Collection method: clinical testing. Allele origin: germline. Affected: yes. Observed: 1 variant allele.
Comment: NF1: PM2, PM5, PS4:Moderate, PP3, PP4

Labcorp Genetics (formerly Invitae), Labcorp
Classification: Pathogenic for Neurofibromatosis, type 1. Last evaluated: 2025-02-09. Review status: criteria provided, single submitter. Criteria: Invitae Variant Classification Sherloc (09022015). Collection method: clinical testing. Allele origin: germline.
Comment: This sequence change replaces arginine, which is basic and polar, with threonine, which is neutral and polar, at codon 1325 of the NF1 protein (p.Arg1325Thr). This variant also falls at the last nucleotide of exon 29, which is part of the consensus splice site for this exon. This variant is not present in population databases (gnomAD no frequency). This missense change has been observed in individuals with neurofibromatosis type 1 (PMID: 25074460; internal data). ClinVar contains an entry for this variant (Variation ID: 215990). An algorithm developed to predict the effect of missense changes on protein structure and function (PolyPhen-2) suggests that this variant is likely to be disruptive. Variants that disrupt the consensus splice site are a relatively common cause of aberrant splicing (PMID: 17576681, 9536098). Algorithms developed to predict the effect of sequence changes on RNA splicing suggest that this variant may disrupt the consensus splice site. This variant disrupts the c.3974G nucleotide in the NF1 gene. Other variant(s) that disrupt this nucleotide have been determined to be pathogenic (PMID: 17311297, 27838393). This suggests that this nucleotide is clinically significant, and that variants that disrupt this position are likely to be disease-causing. For these reasons, this variant has been classified as Pathogenic.

Institute of Medical Genetics and Applied Genomics, University Hospital Tübingen
Classification: Likely pathogenic for Neurofibromatosis type 1 due to NF1 mutation or intragenic deletion. Last evaluated: 2023-01-26. Review status: criteria provided, single submitter. Criteria: ACMG Guidelines, 2015. Collection method: clinical testing. Allele origin: germline. Inheritance: Autosomal dominant inheritance. Affected: yes.

Genome-Nilou Lab
Classification: Likely pathogenic for Neurofibromatosis, type 1. Last evaluated: 2022-03-15. Review status: criteria provided, single submitter. Criteria: ACMG Guidelines, 2015. Collection method: clinical testing. Allele origin: germline. Affected: no.

Ambry Genetics
Classification: Likely pathogenic for Cardiovascular phenotype; Hereditary cancer-predisposing syndrome. Last evaluated: 2018-07-10. Review status: criteria provided, single submitter. Criteria: Ambry Variant Classification Scheme 2023. Collection method: clinical testing. Allele origin: germline.
Comment: The c.3974G>C variant (also known as p.R1325T), located in coding exon 29 of the NF1 gene, results from a G to C substitution at nucleotide position 3974. The amino acid change results in arginine to threonine at codon 1325, an amino acid with similar properties. However, this change occurs in the last base pair of coding exon 29, which makes it likely to have some effect on normal mRNA splicing. This variant, also designated p.Arg1325Thr, was identified in an individual with a clinical diagnosis of NF1 (Pasmant E et al. Eur. J. Hum. Genet. 2015 May;23:596-601) and was predicted to alter splicing by multiple in silico analyses (Stella A et al. Genes (Basel) 2018 Apr;9:). This nucleotide position is highly conserved in available vertebrate species. Using the BDGP and ESEfinder splice site prediction tools, this alteration is predicted to abolish the native splice donor site; however, direct evidence is unavailable. Based on the majority of available evidence to date, this variant is likely to be pathogenic.

Literature cited by the submitters: PubMed 25074460 (cited by Labcorp Genetics (formerly Invitae), Labcorp); PubMed 17576681 (cited by Labcorp Genetics (formerly Invitae), Labcorp); PubMed 9536098 (cited by Labcorp Genetics (formerly Invitae), Labcorp); PubMed 17311297 (cited by Labcorp Genetics (formerly Invitae), Labcorp); PubMed 27838393 (cited by Labcorp Genetics (formerly Invitae), Labcorp).

NM_001042492.3(NF1):c.3974G>C (p.Arg1325Thr)

Gene: NF1 (neurofibromin 1; plus strand). Cytogenetic location: 17q11.2.
Variant type: single nucleotide variant.
Coding change: c.3974G>C on transcript NM_001042492.3 (MANE Select); coding-DNA position 3974, G replaced by C.
Protein change: p.Arg1325Thr; replaces arginine 1325 with threonine.
Molecular consequence: missense variant.
Genome position (GRCh38, 1-based): chr17:31,236,021, G>C. VCF-style: chr17-31236021-G-C. GRCh37 (hg19) VCF-style: chr17-29563039-G-C.
Other names: c.3974G>C, p.Arg1325Thr (NM_000267.4); short protein forms R1325T.
Identifiers: ClinVar variation 215990 (VCV000215990.23), dbSNP rs863224447, ClinGen allele CA338737.